The following is an entry in ClinVar:

NM_001394062.1(MACF1):c.22461del (p.Ser7489fs)

Gene: MACF1 (microtubule actin crosslinking factor 1; plus strand). Cytogenetic location: 1p34.3.
Variant type: Deletion.
Coding change: c.22461del on transcript NM_001394062.1 (MANE Select); coding-DNA position 22461, one base deleted (C; older notation c.22461delC).
Protein change: p.Ser7489fs; shifts the reading frame from serine 7489.
Molecular consequence: frameshift variant.
Genome position (GRCh38, 1-based): chr1:39,485,587, C deleted; the last of 2 consecutive C bases (chr1:39,485,586-39,485,587); deleting either gives the same sequence. VCF-style (leftmost placement, unchanged base first): chr1-39485585-GC-G. GRCh37 (hg19) VCF-style: chr1-39951257-GC-G.
Other names: c.16086delC (NM_012090.5); c.10341del, p.Ser3449fs (NM_001397473.1); c.16086del, p.Ser5364fs (NM_012090.5); short protein forms S3449fs, S5364fs, S7489fs.
Identifiers: ClinVar variation 5002267 (VCV005002267.1).

ClinVar aggregate classification (germline): Uncertain significance (1 of 4 stars; one submission).

Conditions:
MACF1-related disorder. Also called: MACF1-related condition.

Submission:

PreventionGenetics, part of Exact Sciences
Classification: Uncertain significance for MACF1-related condition. Last evaluated: 2025-03-18. Review status: criteria provided, single submitter. Criteria: ACMG Guidelines, 2015. Collection method: clinical testing. Allele origin: germline.
Comment: The MACF1 c.16086delC variant is predicted to result in a frameshift and premature protein termination (p.Ser5364Valfs*17). To our knowledge, this variant has not been reported in the literature or in a large population database, indicating it is rare. This variant is located in the last exon of MACF1 and is therefore not expected to undergo nonsense-mediated mRNA decay. Additionally, few variants have been reported in this region of the MACF1 gene. At this time, the clinical significance of this variant is uncertain due to the absence of conclusive functional and genetic evidence.